The following is an entry in ClinVar:

NM_000153.4(GALC):c.1343T>C (p.Leu448Pro)

Gene: GALC (galactosylceramidase; minus strand). Cytogenetic location: 14q31.3.
Variant type: single nucleotide variant.
Coding change: c.1343T>C on transcript NM_000153.4 (MANE Select); coding-DNA position 1343, T replaced by C.
Protein change: p.Leu448Pro; replaces leucine 448 with proline.
Molecular consequence: missense variant. On other transcripts: non-coding transcript variant (1).
Genome position (GRCh38, 1-based): chr14:87,947,874, A>G on the plus strand (T>C on the coding strand, the complement: GALC is on the minus strand). VCF-style: chr14-87947874-A-G. GRCh37 (hg19) VCF-style: chr14-88414218-A-G.
Other names: c.1274T>C, p.Leu425Pro (NM_001201401.2); c.1265T>C, p.Leu422Pro (NM_001201402.2); c.1175T>C, p.Leu392Pro (NM_001424071.1, NM_001424072.1, NM_001424073.1); c.995T>C, p.Leu332Pro (NM_001424074.1, NM_001424075.1); c.710T>C, p.Leu237Pro (NM_001424076.1, NM_001424077.1); short protein forms L448P, L422P, L237P, L332P, L392P, L425P.
Identifiers: ClinVar variation 4753994 (VCV004753994.1).

ClinVar aggregate classification (germline): Uncertain significance (1 of 4 stars; one submission).

Conditions:
Galactosylceramide beta-galactosidase deficiency. Also called: Leukodystrophy, Globoid Cell; Krabbe Disease; GALACTOCEREBROSIDASE DEFICIENCY; GALC DEFICIENCY; GLOBOID CELL LEUKOENCEPHALOPATHY. Identifiers: Orphanet 487, MedGen C0023521, MONDO:0009499, OMIM 245200.

gnomAD v4.1: 2 of 1,611,850 alleles (0.00012%); highest among the groups gnomAD compares: Admixed American, 0.0017%; no homozygotes.

Submission:

Labcorp Genetics (formerly Invitae), Labcorp
Classification: Uncertain significance for Galactosylceramide beta-galactosidase deficiency. Last evaluated: 2025-12-11. Review status: criteria provided, single submitter. Criteria: Invitae Variant Classification Sherloc (09022015). Collection method: clinical testing. Allele origin: germline.
Comment: This sequence change replaces leucine, which is neutral and non-polar, with proline, which is neutral and non-polar, at codon 448 of the GALC protein (p.Leu448Pro). This variant is not present in population databases (gnomAD no frequency). This variant has not been reported in the literature in individuals affected with GALC-related conditions. Invitae Evidence Modeling of protein sequence and biophysical properties (such as structural, functional, and spatial information, amino acid conservation, physicochemical variation, residue mobility, and thermodynamic stability) indicates that this missense variant is not expected to disrupt GALC protein function with a negative predictive value of 95%. In summary, the available evidence is currently insufficient to determine the role of this variant in disease. Therefore, it has been classified as a Variant of Uncertain Significance.